The following is an entry in ClinVar:

NM_013275.6(ANKRD11):c.745-2A>G

Gene: ANKRD11 (ankyrin repeat domain 11; minus strand). Cytogenetic location: 16q24.3.
Variant type: single nucleotide variant.
Coding change: c.745-2A>G on transcript NM_013275.6 (MANE Select); the canonical splice acceptor site of the intron before coding-DNA position 745, A replaced by G.
Molecular consequence: splice acceptor variant.
Genome position (GRCh38, 1-based): chr16:89,286,188, T>C on the plus strand (A>G on the coding strand, the complement: ANKRD11 is on the minus strand). VCF-style: chr16-89286188-T-C. GRCh37 (hg19) VCF-style: chr16-89352596-T-C.
Other names: c.745-2A>G (NM_001256183.2, NM_001256182.2).
Identifiers: ClinVar variation 3648304 (VCV003648304.3).

ClinVar aggregate classification (germline): Likely pathogenic. Review status: criteria provided, multiple submitters, no conflicts (2 of 4 stars). 2 submissions from 2 submitters: Likely pathogenic (2). Last evaluated 2024-04-01.

Conditions:
KBG syndrome (KBGS). Also called: ANKRD11-Related KBG Syndrome. Identifiers: Orphanet 2332, MedGen C0220687, MONDO:0007846, OMIM 148050.
ANKRD11-related disorder. Also called: ANKRD11-related condition.

Submissions (2):

Labcorp Genetics (formerly Invitae), Labcorp
Classification: Likely pathogenic for KBG syndrome. Last evaluated: 2024-04-01. Review status: criteria provided, single submitter. Criteria: Invitae Variant Classification Sherloc (09022015). Collection method: clinical testing. Allele origin: germline.
Comment: This sequence change affects an acceptor splice site in intron 7 of the ANKRD11 gene. It is expected to disrupt RNA splicing. Variants that disrupt the donor or acceptor splice site typically lead to a loss of protein function (PMID: 16199547), and loss-of-function variants in ANKRD11 are known to be pathogenic (PMID: 21782149, 25125236, 25413698, 25652421). This variant is not present in population databases (gnomAD no frequency). This variant has not been reported in the literature in individuals affected with ANKRD11-related conditions. Algorithms developed to predict the effect of sequence changes on RNA splicing suggest that this variant may disrupt the consensus splice site. In summary, the currently available evidence indicates that the variant is pathogenic, but additional data are needed to prove that conclusively. Therefore, this variant has been classified as Likely Pathogenic.

Blueprint Genetics
Classification: Likely pathogenic for ANKRD11-related disorders. Last evaluated: 2022-10-13. Review status: criteria provided, single submitter. Criteria: ACMG Guidelines, 2015. Collection method: clinical testing. Allele origin: germline. Affected: yes. Observed: 2 variant alleles.

Literature cited by the submitters: PubMed 16199547 (cited by Labcorp Genetics (formerly Invitae), Labcorp); PubMed 21782149 (cited by Labcorp Genetics (formerly Invitae), Labcorp); PubMed 25125236 (cited by Labcorp Genetics (formerly Invitae), Labcorp); PubMed 25413698 (cited by Labcorp Genetics (formerly Invitae), Labcorp); PubMed 25652421 (cited by Labcorp Genetics (formerly Invitae), Labcorp).